The following is an entry in ClinVar:

ClinVar aggregate classification (germline): Likely benign (1 of 4 stars; one submission).

gnomAD v4.1: 2,490 of 1,610,570 alleles (0.15%); highest among the groups gnomAD compares: Middle Eastern, 0.92%; 17 homozygotes.

Submission:

CeGaT Center for Human Genetics Tuebingen
Classification: Likely benign. Last evaluated: 2025-12-01. Review status: criteria provided, single submitter. Criteria: CeGaT Center For Human Genetics Tuebingen Variant Classification Criteria Version 2. Collection method: clinical testing. Allele origin: germline. Affected: yes. Observed: 1 variant allele.
Comment: INTS11: BS2

NM_017871.6(INTS11):c.957+18G>A

Gene: INTS11 (integrator complex subunit 11; minus strand). Cytogenetic location: 1p36.33.
Variant type: single nucleotide variant.
Coding change: c.957+18G>A on transcript NM_017871.6 (MANE Select); 18 bases into the intron after coding-DNA position 957, G replaced by A.
Molecular consequence: intron variant.
Genome position (GRCh38, 1-based): chr1:1,313,714, C>T on the plus strand (G>A on the coding strand, the complement: INTS11 is on the minus strand). VCF-style: chr1-1313714-C-T. GRCh37 (hg19) VCF-style: chr1-1249094-C-T.
Other names: c.654+18G>A (NM_001256463.2); c.870+18G>A (NM_001256460.2); c.663+18G>A (NM_001256462.2); c.975+18G>A (NM_001256456.2).
Identifiers: ClinVar variation 4681290 (VCV004681290.5).